The following is an entry in ClinVar:

ClinVar aggregate classification (germline): Pathogenic (1 of 4 stars; one submission).

Conditions:
Arrhythmogenic cardiomyopathy with wooly hair and keratoderma. Also called: Carvajal syndrome; PALMOPLANTAR KERATODERMA WITH LEFT VENTRICULAR CARDIOMYOPATHY AND WOOLLY HAIR; Dilated cardiomyopathy with woolly hair and keratoderma; Arrhythmogenic cardiomyopathy with woolly hair and keratoderma. Identifiers: Orphanet 65282, MedGen C1854063, MONDO:0011581, OMIM 605676.
Arrhythmogenic right ventricular dysplasia 8 (ARVD8). Also called: ARRHYTHMOGENIC RIGHT VENTRICULAR DYSPLASIA, FAMILIAL, 8; Arrhythmogenic Right Ventricular Dysplasia/Cardiomyopathy 8; ARRHYTHMOGENIC RIGHT VENTRICULAR CARDIOMYOPATHY 8. Identifiers: MedGen C1843896, MONDO:0011831, OMIM 607450.

Submission:

Labcorp Genetics (formerly Invitae), Labcorp
Classification: Pathogenic for Arrhythmogenic cardiomyopathy with wooly hair and keratoderma; Arrhythmogenic right ventricular dysplasia 8. Last evaluated: 2023-06-04. Review status: criteria provided, single submitter. Criteria: Invitae Variant Classification Sherloc (09022015). Collection method: clinical testing. Allele origin: germline.
Comment: This variant is not present in population databases (gnomAD no frequency). This sequence change creates a premature translational stop signal (p.Ala2088Glnfs*28) in the DSP gene. While this is not anticipated to result in nonsense mediated decay, it is expected to disrupt the last 784 amino acid(s) of the DSP protein. This variant has not been reported in the literature in individuals affected with DSP-related conditions. ClinVar contains an entry for this variant (Variation ID: 861912). For these reasons, this variant has been classified as Pathogenic. This variant disrupts a region of the DSP protein in which other variant(s) (p.Thr2634Lysfs*4) have been determined to be pathogenic (PMID: 11063735). This suggests that this is a clinically significant region of the protein, and that variants that disrupt it are likely to be disease-causing.

Literature cited by the submitters: PubMed 11063735.

NM_004415.4(DSP):c.6262del (p.Ala2088fs)

Gene: DSP (desmoplakin; plus strand). Cytogenetic location: 6p24.3.
Variant type: Deletion.
Coding change: c.6262del on transcript NM_004415.4 (MANE Select); coding-DNA position 6262, one base deleted (G; older notation c.6262delG).
Protein change: p.Ala2088fs; shifts the reading frame from alanine 2088.
Molecular consequence: frameshift variant.
Genome position (GRCh38, 1-based): chr6:7,583,524, G deleted. VCF-style (leftmost placement, unchanged base first): chr6-7583523-TG-T. GRCh37 (hg19) VCF-style: chr6-7583756-TG-T.
Other names: c.4465del, p.Ala1489fs (NM_001008844.3); c.4933del, p.Ala1645fs (NM_001319034.2); short protein forms A1489fs, A1645fs, A2088fs.
Identifiers: ClinVar variation 861912 (VCV000861912.10), dbSNP rs1759522381, ClinGen allele CA916081480.